The following is an entry in ClinVar:

ClinVar aggregate classification (germline): Uncertain significance (1 of 4 stars; one submission).

Allele frequency attached by ClinVar (database versions not stated): gnomAD exomes below 0.00001.
gnomAD v4.1: 2 of 1,613,652 alleles (0.00012%); highest among the groups gnomAD compares: Non-Finnish European, 0.00017%; no homozygotes.

Submission:

Labcorp Genetics (formerly Invitae), Labcorp
Classification: Uncertain significance. Last evaluated: 2023-10-04. Review status: criteria provided, single submitter. Criteria: Invitae Variant Classification Sherloc (09022015). Collection method: clinical testing. Allele origin: germline.
Comment: This sequence change falls in intron 3 of the HMCN1 gene. It does not directly change the encoded amino acid sequence of the HMCN1 protein. This variant is not present in population databases (gnomAD no frequency). This variant has not been reported in the literature in individuals affected with HMCN1-related conditions. Algorithms developed to predict the effect of sequence changes on RNA splicing suggest that this variant may create or strengthen a splice site. In summary, the available evidence is currently insufficient to determine the role of this variant in disease. Therefore, it has been classified as a Variant of Uncertain Significance.

NM_031935.3(HMCN1):c.498+10A>T

Gene: HMCN1 (hemicentin 1; plus strand). Cytogenetic location: 1q31.1.
Variant type: single nucleotide variant.
Coding change: c.498+10A>T on transcript NM_031935.3 (MANE Select); 10 bases into the intron after coding-DNA position 498, A replaced by T.
Molecular consequence: intron variant.
Genome position (GRCh38, 1-based): chr1:185,864,638, A>T. VCF-style: chr1-185864638-A-T. GRCh37 (hg19) VCF-style: chr1-185833770-A-T.
Identifiers: ClinVar variation 2765135 (VCV002765135.3), dbSNP rs2526859296, ClinGen allele CA2649547174.